The following is an entry in ClinVar:

NM_004006.3(DMD):c.5554C>T (p.Gln1852Ter)

Gene: DMD (dystrophin; minus strand). Cytogenetic location: Xp21.1.
Variant type: single nucleotide variant.
Coding change: c.5554C>T on transcript NM_004006.3 (MANE Select); coding-DNA position 5554, C replaced by T.
Protein change: p.Gln1852Ter; replaces glutamine 1852 with a stop codon.
Molecular consequence: nonsense.
Genome position (GRCh38, 1-based): chrX:32,345,975, G>A on the plus strand (C>T on the coding strand, the complement: DMD is on the minus strand). VCF-style: chrX-32345975-G-A. GRCh37 (hg19) VCF-style: chrX-32364092-G-A.
Other names: NP_003997.1:p.Gln1852*; c.5530C>T, p.Gln1844Ter (NM_000109.4); c.5542C>T, p.Gln1848Ter (NM_004009.3); c.5185C>T, p.Gln1729Ter (NM_004010.3); c.1531C>T, p.Gln511Ter (NM_004011.4); c.1522C>T, p.Gln508Ter (NM_004012.4); short protein forms Q1852*, Q1848*, Q1729*, Q508*, Q1844*, Q511*.
Identifiers: ClinVar variation 94670 (VCV000094670.12), dbSNP rs398123991, ClinGen allele CA267067.

ClinVar aggregate classification (germline): Pathogenic. Review status: criteria provided, multiple submitters, no conflicts (2 of 4 stars). 2 submissions from 2 submitters: Pathogenic (2). Last evaluated 2021-08-07.

Conditions:
Duchenne muscular dystrophy (DMD). Also called: Duchenne Muscular Dystrophy (DMD); MUSCULAR DYSTROPHY, PSEUDOHYPERTROPHIC PROGRESSIVE, DUCHENNE TYPE. Identifiers: Orphanet 98896, MedGen C0013264, MONDO:0010679, OMIM 310200.

Submissions (2):

Labcorp Genetics (formerly Invitae), Labcorp
Classification: Pathogenic for Duchenne muscular dystrophy. Last evaluated: 2021-08-07. Review status: criteria provided, single submitter. Criteria: Invitae Variant Classification Sherloc (09022015). Collection method: clinical testing. Allele origin: germline.
Comment: For these reasons, this variant has been classified as Pathogenic. ClinVar contains an entry for this variant (Variation ID: 94670). This premature translational stop signal has been observed in individual(s) with Duchenne muscular dystrophy (PMID: 11710958). This variant is not present in population databases (ExAC no frequency). This sequence change creates a premature translational stop signal (p.Gln1852*) in the DMD gene. It is expected to result in an absent or disrupted protein product. Loss-of-function variants in DMD are known to be pathogenic (PMID: 16770791, 25007885).

Eurofins Ntd Llc (ga)
Classification: Pathogenic. Last evaluated: 2018-05-10. Review status: criteria provided, single submitter. Criteria: EGL ClinVar v180209 classification definitions. Collection method: clinical testing. Allele origin: germline. Observed: 3 variant alleles, 3 hemizygotes.

Literature cited by the submitters: PubMed 11710958 (cited by Labcorp Genetics (formerly Invitae), Labcorp); PubMed 16770791 (cited by Labcorp Genetics (formerly Invitae), Labcorp); PubMed 25007885 (cited by Labcorp Genetics (formerly Invitae), Labcorp).